The following is an entry in ClinVar:

NM_001130144.3(LTBP3):c.1480C>T (p.Pro494Ser)

Gene: LTBP3 (latent transforming growth factor beta binding protein 3; minus strand). Cytogenetic location: 11q13.1.
Variant type: single nucleotide variant.
Coding change: c.1480C>T on transcript NM_001130144.3 (MANE Select); coding-DNA position 1480, C replaced by T.
Protein change: p.Pro494Ser; replaces proline 494 with serine.
Molecular consequence: missense variant.
Genome position (GRCh38, 1-based): chr11:65,552,023, G>A on the plus strand (C>T on the coding strand, the complement: LTBP3 is on the minus strand). VCF-style: chr11-65552023-G-A. GRCh37 (hg19) VCF-style: chr11-65319494-G-A.
Other names: c.1129C>T, p.Pro377Ser (NM_001164266.1); c.1480C>T, p.Pro494Ser (NM_021070.4); short protein forms P494S, P377S.
Identifiers: ClinVar variation 1773560 (VCV001773560.5), dbSNP rs775419010, ClinGen allele CA6100980.

ClinVar aggregate classification (germline): Uncertain significance. Review status: criteria provided, multiple submitters, no conflicts (2 of 4 stars). 2 submissions from 2 submitters: Uncertain significance (2). Last evaluated 2023-05-22.

Conditions:
Inborn genetic diseases. Identifiers: MedGen C0950123, MeSH D030342.
Brachyolmia-amelogenesis imperfecta syndrome. Also called: PLATYSPONDYLY WITH AMELOGENESIS IMPERFECTA; Tooth agenesis, selective, 6; Dental anomalies and short stature. Identifiers: Orphanet 2899, MedGen C1832594, MONDO:0011018, OMIM 601216. Disease mechanism: loss of function.

Allele frequency attached by ClinVar (database versions not stated): gnomAD 0.00001; gnomAD exomes 0.00001; ExAC 0.00002.
gnomAD v4.1: 5 of 1,613,964 alleles (0.00031%); highest among the groups gnomAD compares: Non-Finnish European, 0.00017%; no homozygotes.

Submissions (2):

Labcorp Genetics (formerly Invitae), Labcorp
Classification: Uncertain significance for Brachyolmia-amelogenesis imperfecta syndrome. Last evaluated: 2023-05-22. Review status: criteria provided, single submitter. Criteria: Invitae Variant Classification Sherloc (09022015). Collection method: clinical testing. Allele origin: germline.
Comment: In summary, the available evidence is currently insufficient to determine the role of this variant in disease. Therefore, it has been classified as a Variant of Uncertain Significance. An algorithm developed to predict the effect of missense changes on protein structure and function (PolyPhen-2) suggests that this variant is likely to be disruptive. ClinVar contains an entry for this variant (Variation ID: 1773560). This variant has not been reported in the literature in individuals affected with LTBP3-related conditions. This variant is present in population databases (rs775419010, gnomAD 0.004%). This sequence change replaces proline, which is neutral and non-polar, with serine, which is neutral and polar, at codon 494 of the LTBP3 protein (p.Pro494Ser).

Ambry Genetics
Classification: Uncertain significance for Inborn genetic diseases. Last evaluated: 2021-11-24. Review status: criteria provided, single submitter. Criteria: Ambry Variant Classification Scheme 2023. Collection method: clinical testing. Allele origin: germline.
Comment: The p.P494S variant (also known as c.1480C>T), located in coding exon 8 of the LTBP3 gene, results from a C to T substitution at nucleotide position 1480. The proline at codon 494 is replaced by serine, an amino acid with similar properties. This amino acid position is conserved. In addition, this alteration is predicted to be tolerated by in silico analysis. Since supporting evidence is limited at this time, the clinical significance of this alteration remains unclear.